The following is an entry in ClinVar:

NM_000059.4(BRCA2):c.5909C>T (p.Ser1970Leu)

Gene: BRCA2 (BRCA2 DNA repair associated; plus strand). Cytogenetic location: 13q13.1.
Variant type: single nucleotide variant.
Coding change: c.5909C>T on transcript NM_000059.4 (MANE Select); coding-DNA position 5909, C replaced by T.
Protein change: p.Ser1970Leu; replaces serine 1970 with leucine.
Molecular consequence: missense variant.
Genome position (GRCh38, 1-based): chr13:32,340,264, C>T. VCF-style: chr13-32340264-C-T. GRCh37 (hg19) VCF-style: chr13-32914401-C-T.
Other names: 6137C>T; short protein forms S1970L.
Identifiers: ClinVar variation 38008 (VCV000038008.22), dbSNP rs80358824, ClinGen allele CA023364.

ClinVar aggregate classification (germline): Conflicting classifications of pathogenicity. Review status: criteria provided, conflicting classifications (1 of 4 stars). 5 submissions from 5 submitters: Uncertain significance (1); Likely benign (3). 1 of the submissions does not count toward it. Last evaluated 2025-09-17.

Conditions:
Hereditary cancer-predisposing syndrome. Also called: Tumor predisposition; Neoplastic Syndromes, Hereditary; Hereditary neoplastic syndrome; Hereditary Cancer Syndrome. Identifiers: Orphanet 140162, MedGen C0027672, MeSH D009386, MONDO:0015356.
Hereditary breast ovarian cancer syndrome. Also called: Hereditary breast and ovarian cancer; Hereditary breast and ovarian cancer syndrome (HBOC); Hereditary breast and/or ovarian cancer syndrome; Breast and ovarian cancer; Hereditary breast and ovarian cancer syndrome; BRCA1- and BRCA2-Associated Hereditary Breast and Ovarian Cancer. Identifiers: Orphanet 145, MedGen C0677776, MeSH D061325, MONDO:0003582. Disease mechanism: loss of function.
Breast-ovarian cancer, familial, susceptibility to, 2 (BROVCA2). Also called: BRCA2 Hereditary Breast and Ovarian Cancer. Identifiers: Orphanet 145, MedGen C2675520, MONDO:0012933, OMIM 612555. Disease mechanism: loss of function.

Allele frequency attached by ClinVar (database versions not stated): gnomAD exomes below 0.00001.
gnomAD v4.1: 2 of 1,613,984 alleles (0.00012%); highest among the groups gnomAD compares: South Asian, 0.0022%; no homozygotes.

Submissions (5):

Color Diagnostics, LLC DBA Color Health
Classification: Likely benign for Hereditary cancer-predisposing syndrome. Last evaluated: 2025-09-17. Review status: criteria provided, single submitter. Criteria: ACMG Guidelines, 2015. Collection method: clinical testing. Allele origin: germline.

Labcorp Genetics (formerly Invitae), Labcorp
Classification: Uncertain significance for Hereditary breast ovarian cancer syndrome. Last evaluated: 2025-03-19. Review status: criteria provided, single submitter. Criteria: Invitae Variant Classification Sherloc (09022015). Collection method: clinical testing. Allele origin: germline.
Comment: This sequence change replaces serine, which is neutral and polar, with leucine, which is neutral and non-polar, at codon 1970 of the BRCA2 protein (p.Ser1970Leu). This variant is present in population databases (rs80358824, gnomAD 0.003%). This missense change has been observed in individual(s) with colon cancer (PMID: 37306523). ClinVar contains an entry for this variant (Variation ID: 38008). Invitae Evidence Modeling of protein sequence and biophysical properties (such as structural, functional, and spatial information, amino acid conservation, physicochemical variation, residue mobility, and thermodynamic stability) indicates that this missense variant is not expected to disrupt BRCA2 protein function with a negative predictive value of 95%. In summary, the available evidence is currently insufficient to determine the role of this variant in disease. Therefore, it has been classified as a Variant of Uncertain Significance.

Ambry Genetics
Classification: Likely benign for Hereditary cancer-predisposing syndrome. Last evaluated: 2024-01-11. Review status: criteria provided, single submitter. Criteria: Ambry Variant Classification Scheme 2023. Collection method: clinical testing. Allele origin: germline.

University of Washington Department of Laboratory Medicine, University of Washington
Classification: Likely benign for Hereditary cancer-predisposing syndrome. Last evaluated: 2023-03-23. Review status: criteria provided, single submitter. Criteria: Dines et al. (Genet Med. 2020). Collection method: curation. Allele origin: germline.
Comment: Missense variant in a coldspot region where missense variants are very unlikely to be pathogenic (PMID:31911673).

BRCA2 exon 11 coldspot. Reclassification based on statistical prior probability.

Sharing Clinical Reports Project (SCRP)
Classification: Uncertain significance for Breast-ovarian cancer, familial 2. Last evaluated: 2011-09-19. Review status: no assertion criteria provided. Collection method: clinical testing. Allele origin: germline. Not counted in ClinVar's aggregate classification.

Literature cited by the submitters: PubMed 37306523 (cited by Labcorp Genetics (formerly Invitae), Labcorp); PubMed 33471991 (cited by Ambry Genetics).